The following is an entry in ClinVar:

ClinVar aggregate classification (germline): Uncertain significance. Review status: criteria provided, multiple submitters, no conflicts (2 of 4 stars). 2 submissions from 2 submitters: Uncertain significance (2). Last evaluated 2025-08-08.

Conditions:
Inborn genetic diseases. Identifiers: MedGen C0950123, MeSH D030342.

gnomAD v4.1: 38 of 1,614,068 alleles (0.0024%); highest among the groups gnomAD compares: African/African-American, 0.037%; no homozygotes.

Submissions (2):

Ambry Genetics
Classification: Uncertain significance for Inborn genetic diseases. Last evaluated: 2025-08-08. Review status: criteria provided, single submitter. Criteria: Ambry Variant Classification Scheme 2023. Collection method: clinical testing. Allele origin: germline.

Dasa
Classification: Uncertain significance. Last evaluated: 2024-06-23. Review status: criteria provided, single submitter. Criteria: DASA Assertion Criteria. Collection method: clinical testing. Allele origin: germline.
Comment: NM_015378.4(VPS13D):c.4772A>T (p.Asn1591Ile) is a missense variant that results in the substitution of asparagine with isoleucine. This variant is rare in population databases. The currently available literature and clinical evidence are not sufficient to establish a definitive association between this variant and the reported condition. Therefore, this variant is classified as a variant of uncertain significance.

NM_015378.4(VPS13D):c.4772A>T (p.Asn1591Ile)

Gene: VPS13D (vacuolar protein sorting 13 homolog D; plus strand). Cytogenetic location: 1p36.22.
Variant type: single nucleotide variant.
Coding change: c.4772A>T on transcript NM_015378.4 (MANE Select); coding-DNA position 4772, A replaced by T.
Protein change: p.Asn1591Ile; replaces asparagine 1591 with isoleucine.
Molecular consequence: missense variant.
Genome position (GRCh38, 1-based): chr1:12,282,874, A>T. VCF-style: chr1-12282874-A-T. GRCh37 (hg19) VCF-style: chr1-12342931-A-T.
Other names: c.4772A>T, p.Asn1591Ile (NM_018156.4); short protein forms N1591I.
Identifiers: ClinVar variation 4199067 (VCV004199067.3).